The following is an entry in ClinVar:

ClinVar aggregate classification (germline): Uncertain significance (1 of 4 stars; one submission).

Conditions:
Fanconi anemia (FA). Also called: Fanconi's anemia. Identifiers: Orphanet 84, MedGen C0015625, MeSH D005199, MONDO:0019391.

Submission:

Labcorp Genetics (formerly Invitae), Labcorp
Classification: Uncertain significance for Fanconi anemia. Last evaluated: 2022-07-19. Review status: criteria provided, single submitter. Criteria: Invitae Variant Classification Sherloc (09022015). Collection method: clinical testing. Allele origin: germline.
Comment: This variant has not been reported in the literature in individuals affected with FANCI-related conditions. ClinVar contains an entry for this variant (Variation ID: 1515641). Algorithms developed to predict the effect of missense changes on protein structure and function are either unavailable or do not agree on the potential impact of this missense change (SIFT: "Tolerated"; PolyPhen-2: "Possibly Damaging"; Align-GVGD: "Class C0"). In summary, the available evidence is currently insufficient to determine the role of this variant in disease. Therefore, it has been classified as a Variant of Uncertain Significance. This sequence change replaces leucine, which is neutral and non-polar, with serine, which is neutral and polar, at codon 550 of the FANCI protein (p.Leu550Ser). This variant is not present in population databases (gnomAD no frequency).

NM_001113378.2(FANCI):c.1649T>C (p.Leu550Ser)

Gene: FANCI (FA complementation group I; plus strand). Cytogenetic location: 15q26.1.
Variant type: single nucleotide variant.
Coding change: c.1649T>C on transcript NM_001113378.2 (MANE Select); coding-DNA position 1649, T replaced by C.
Protein change: p.Leu550Ser; replaces leucine 550 with serine.
Molecular consequence: missense variant.
Genome position (GRCh38, 1-based): chr15:89,283,201, T>C. VCF-style: chr15-89283201-T-C. GRCh37 (hg19) VCF-style: chr15-89826432-T-C.
Other names: c.1370T>C, p.Leu457Ser (NM_001376910.1); c.1649T>C, p.Leu550Ser (NM_001376911.1, NM_018193.3); short protein forms L550S, L457S.
Identifiers: ClinVar variation 1515641 (VCV001515641.6), dbSNP rs2151580534, ClinGen allele CA393745057.